The following is an entry in ClinVar:

NM_201384.3(PLEC):c.5425C>G (p.Leu1809Val)

Gene: PLEC (plectin; minus strand). Cytogenetic location: 8q24.3.
Variant type: single nucleotide variant.
Coding change: c.5425C>G on transcript NM_201384.3 (MANE Select); coding-DNA position 5425, C replaced by G.
Protein change: p.Leu1809Val; replaces leucine 1809 with valine.
Molecular consequence: missense variant.
Genome position (GRCh38, 1-based): chr8:143,924,504, G>C on the plus strand (C>G on the coding strand, the complement: PLEC is on the minus strand). VCF-style: chr8-143924504-G-C. GRCh37 (hg19) VCF-style: chr8-144998672-G-C.
Other names: c.5506C>G, p.Leu1836Val (NM_000445.5); c.5383C>G, p.Leu1795Val (NM_201378.4); c.5359C>G, p.Leu1787Val (NM_201379.3); c.5836C>G, p.Leu1946Val (NM_201380.4); c.5329C>G, p.Leu1777Val (NM_201381.3); c.5425C>G, p.Leu1809Val (NM_201382.4); c.5437C>G, p.Leu1813Val (NM_201383.3); short protein forms L1795V, L1813V, L1836V, L1777V, L1787V, L1809V, L1946V.
Identifiers: ClinVar variation 1431714 (VCV001431714.6), dbSNP rs782104350, ClinGen allele CA372545241.

ClinVar aggregate classification (germline): Uncertain significance (1 of 4 stars; one submission).

Conditions:
Epidermolysis bullosa simplex 5B, with muscular dystrophy (EBS5B). Also called: EPIDERMOLYSIS BULLOSA SIMPLEX AND LIMB-GIRDLE MUSCULAR DYSTROPHY; Epidermolysis bullosa simplex with muscular dystrophy. Identifiers: Orphanet 257, MedGen C2931072, MONDO:0009181, OMIM 226670.
Epidermolysis bullosa simplex 5C, with pyloric atresia (EBS5C). Also called: Epidermolysis bullosa simplex with pyloric atresia; PLEC-Related Epidermolysis Bullosa with Pyloric Atresia; PLEC1-Related Epidermolysis Bullosa with Pyloric Atresia. Identifiers: Orphanet 158684, MedGen C2677349, MONDO:0012807, OMIM 612138.
Autosomal recessive limb-girdle muscular dystrophy type 2Q (LGMDR17). Also called: MUSCULAR DYSTROPHY, LIMB-GIRDLE, AUTOSOMAL RECESSIVE 17. Identifiers: Orphanet 254361, MedGen C3150989, MONDO:0013390, OMIM 613723.
Epidermolysis bullosa simplex with nail dystrophy (EBS5D). Identifiers: MedGen C4225309, MONDO:0014661, OMIM 616487.
Epidermolysis bullosa simplex, Ogna type (EBS5A). Also called: Pidermolysis bullosa simplex 5A, Ogna type; EPIDERMOLYSIS BULLOSA SIMPLEX 5A, OGNA TYPE. Identifiers: Orphanet 79401, MedGen C0432317, MONDO:0007555, OMIM 131950.

Submission:

Labcorp Genetics (formerly Invitae), Labcorp
Classification: Uncertain significance for Autosomal recessive limb-girdle muscular dystrophy type 2Q; Epidermolysis bullosa simplex, Ogna type; Epidermolysis bullosa simplex with nail dystrophy; Epidermolysis bullosa simplex 5C, with pyloric atresia; Epidermolysis bullosa simplex 5B, with muscular dystrophy. Last evaluated: 2022-06-13. Review status: criteria provided, single submitter. Criteria: Invitae Variant Classification Sherloc (09022015). Collection method: clinical testing. Allele origin: germline.
Comment: This variant is not present in population databases (gnomAD no frequency). This variant has not been reported in the literature in individuals affected with PLEC-related conditions. Algorithms developed to predict the effect of missense changes on protein structure and function are either unavailable or do not agree on the potential impact of this missense change (SIFT: "Tolerated"; PolyPhen-2: "Not Available"; Align-GVGD: "Class C0"). In summary, the available evidence is currently insufficient to determine the role of this variant in disease. Therefore, it has been classified as a Variant of Uncertain Significance. This sequence change replaces leucine, which is neutral and non-polar, with valine, which is neutral and non-polar, at codon 1836 of the PLEC protein (p.Leu1836Val).